The following is an entry in ClinVar:

ClinVar aggregate classification (germline): Uncertain significance (1 of 4 stars; one submission).

Conditions:
Tuberous sclerosis 2 (TSC2). Identifiers: Orphanet 805, MedGen C1860707, MONDO:0013199, OMIM 613254.

Submission:

Labcorp Genetics (formerly Invitae), Labcorp
Classification: Uncertain significance for Tuberous sclerosis 2. Last evaluated: 2020-11-11. Review status: criteria provided, single submitter. Criteria: Invitae Variant Classification Sherloc (09022015). Collection method: clinical testing. Allele origin: germline.
Comment: This variant has not been reported in the literature in individuals with TSC2-related conditions. Advanced modeling of protein sequence and biophysical properties (such as structural, functional, and spatial information, amino acid conservation, physicochemical variation, residue mobility, and thermodynamic stability) performed at Invitae indicates that this missense variant is not expected to disrupt TSC2 protein function. In summary, the available evidence is currently insufficient to determine the role of this variant in disease. Therefore, it has been classified as a Variant of Uncertain Significance. This variant is not present in population databases (ExAC no frequency). This sequence change replaces phenylalanine with serine at codon 1527 of the TSC2 protein (p.Phe1527Ser). The phenylalanine residue is moderately conserved and there is a large physicochemical difference between phenylalanine and serine.

NM_000548.5(TSC2):c.4580T>C (p.Phe1527Ser)

Gene: TSC2 (TSC complex subunit 2; plus strand). Cytogenetic location: 16p13.3.
Variant type: single nucleotide variant.
Coding change: c.4580T>C on transcript NM_000548.5 (MANE Select); coding-DNA position 4580, T replaced by C.
Protein change: p.Phe1527Ser; replaces phenylalanine 1527 with serine.
Molecular consequence: missense variant.
Genome position (GRCh38, 1-based): chr16:2,085,240, T>C. VCF-style: chr16-2085240-T-C. GRCh37 (hg19) VCF-style: chr16-2135241-T-C.
Other names: c.4379T>C, p.Phe1460Ser (NM_001077183.3); c.4511T>C, p.Phe1504Ser (NM_001114382.3); c.4271T>C, p.Phe1424Ser (NM_001318827.2); c.4235T>C, p.Phe1412Ser (NM_001318829.2); c.3848T>C, p.Phe1283Ser (NM_001318831.2); c.4412T>C, p.Phe1471Ser (NM_001318832.2); c.4382T>C, p.Phe1461Ser (NM_001363528.2); c.4448T>C, p.Phe1483Ser (NM_001370404.1); and 1 more; short protein forms F1460S, F1484S, F1504S, F1283S, F1483S, F1527S, F1424S, F1471S.
Identifiers: ClinVar variation 1512761 (VCV001512761.8), dbSNP rs2151550358, ClinGen allele CA394304382.
Genomic context (GRCh38, chr16:2,085,240, plus strand): 5'-CCTCCTGTGGACGGGCGTCTGGGGCTCAGGCAGGGCTCTGTGTGCCACAGTCACAGTCCT[T>C]TGAGCGGTCGGTGCAGCTCCTCGACCAGATCCCATCATACGACACCCACAAGATCGCCGT-3'
Protein context (NP_000539.2, residues 1517-1537): PILLPNESQS[Phe1527Ser]ERSVQLLDQI